The following is an entry in ClinVar:

NM_000152.5(GAA):c.913G>A (p.Gly305Arg)

Gene: GAA (alpha glucosidase; plus strand). Cytogenetic location: 17q25.3.
Variant type: single nucleotide variant.
Coding change: c.913G>A on transcript NM_000152.5 (MANE Select); coding-DNA position 913, G replaced by A.
Protein change: p.Gly305Arg; replaces glycine 305 with arginine.
Molecular consequence: missense variant.
Genome position (GRCh38, 1-based): chr17:80,107,854, G>A. VCF-style: chr17-80107854-G-A. GRCh37 (hg19) VCF-style: chr17-78081653-G-A.
Other names: p.Gly305Arg; c.913G>A (LRG_673t1); c.913G>A, p.Gly305Arg (NM_001079803.3, NM_001079804.3); short protein forms G305R.
Identifiers: ClinVar variation 288431 (VCV000288431.24), dbSNP rs200154987, ClinGen allele CA8815087.

ClinVar aggregate classification (germline): Conflicting classifications of pathogenicity. Review status: criteria provided, conflicting classifications (1 of 4 stars). 9 submissions from 9 submitters: Uncertain significance (7); Likely benign (1). 1 of the submissions does not count toward it. Last evaluated 2026-07-01.

Conditions:
Glycogen storage disease, type II (IOPD). Also called: CARDIOMEGALIA GLYCOGENICA DIFFUSA; GLYCOGEN STORAGE DISEASE II, INFANTILE-ONSET; POMPE DISEASE, INFANTILE-ONSET; ACID ALPHA-GLUCOSIDASE DEFICIENCY, INFANTILE-ONSET; GAA DEFICIENCY, INFANTILE-ONSET; ACID MALTASE DEFICIENCY, INFANTILE-ONSET. Identifiers: Orphanet 365, MedGen C0017921, MONDO:0009290, OMIM 232300.
Cardiomyopathy (CMYO). Also called: Cardiomyopathies. Identifiers: Orphanet 167848, MedGen C0878544, MONDO:0004994, HP:0001638. Inheritance: Various modes of inheritance.

Allele frequency attached by ClinVar (database versions not stated): TOPMed 0.00007; gnomAD exomes 0.00008 and 0.00017; gnomAD 0.00009 and 0.00011; ExAC 0.00025.

Submissions (11):

Genomenon, Inc
Classification: Uncertain significance for Glycogen storage disease, type II. Last evaluated: 2026-07-01. Review status: criteria provided, single submitter. Criteria: Genomenon Sequence Variant Interpretation Standards - Updated. Collection method: curation. Allele origin: germline. Affected: no.
Comment: GAA p.Gly305Arg (c.913G>A) is a missense variant that changes the amino acid at codon 305 from Glycine to Arginine. This variant has been reported in the published literature (PMID:40981304;29149851). It is absent or not present at a significant frequency in gnomAD. In silico models predict that this variant is possibly or probably damaging. In conclusion, we classify GAA p.Gly305Arg (c.913G>A) as a variant of uncertain significance.

Labcorp Genetics (formerly Invitae), Labcorp
Classification: Uncertain significance for Glycogen storage disease, type II. Last evaluated: 2025-01-13. Review status: criteria provided, single submitter. Criteria: Invitae Variant Classification Sherloc (09022015). Collection method: clinical testing. Allele origin: germline.
Comment: This sequence change replaces glycine, which is neutral and non-polar, with arginine, which is basic and polar, at codon 305 of the GAA protein (p.Gly305Arg). This variant is present in population databases (rs200154987, gnomAD 0.1%). This missense change has been observed in individual(s) with unexplained limb-girdle muscle weakness (PMID: 29149851; internal data). ClinVar contains an entry for this variant (Variation ID: 288431). Invitae Evidence Modeling of protein sequence and biophysical properties (such as structural, functional, and spatial information, amino acid conservation, physicochemical variation, residue mobility, and thermodynamic stability) indicates that this missense variant is expected to disrupt GAA protein function with a positive predictive value of 95%. In summary, the available evidence is currently insufficient to determine the role of this variant in disease. Therefore, it has been classified as a Variant of Uncertain Significance.

Revvity Omics, Revvity
Classification: Uncertain significance. Last evaluated: 2025-01-08. Review status: criteria provided, single submitter. Criteria: ACMG Guidelines, 2015. Collection method: clinical testing. Allele origin: germline.

GeneDx
Classification: Uncertain significance. Last evaluated: 2024-07-09. Review status: criteria provided, single submitter. Criteria: GeneDx Variant Classification Process June 2021. Collection method: clinical testing. Allele origin: germline. Affected: yes.
Comment: Reported in one patient, from a cohort of patients with limb-girdle weakness or elevated serum creatine kinase activity, in whom a second GAA variant was not identified (PMID: 29149851); In silico analysis supports that this missense variant has a deleterious effect on protein structure/function; This variant is associated with the following publications: (PMID: 29149851)

Mayo Clinic Laboratories, Mayo Clinic
Classification: Uncertain significance. Last evaluated: 2024-03-01. Review status: criteria provided, single submitter. Criteria: ACMG Guidelines, 2015. Collection method: clinical testing. Allele origin: germline. Observed: 1 variant allele.
Comment: PP3

Genome-Nilou Lab
Classification: Uncertain significance for Glycogen storage disease, type II. Last evaluated: 2021-07-22. Review status: criteria provided, single submitter. Criteria: ACMG Guidelines, 2015. Collection method: clinical testing. Allele origin: germline. Affected: no.

Center for Advanced Laboratory Medicine, UC San Diego Health, University of California San Diego
Classification: Likely benign for Cardiomyopathy. Last evaluated: 2017-03-14. Review status: criteria provided, single submitter. Criteria: ACMG Guidelines, 2015. Collection method: clinical testing. Allele origin: germline. Affected: yes. Observed: 1 variant allele.

Eurofins Ntd Llc (ga)
Classification: Uncertain significance. Last evaluated: 2016-12-19. Review status: criteria provided, single submitter. Criteria: EGL Classification Definitions 2015. Collection method: clinical testing. Allele origin: germline. Observed: 2 variant alleles, 2 heterozygotes.

Natera, Inc.
Classification: Uncertain significance for Glycogen storage disease type II. Last evaluated: 2020-09-16. Review status: no assertion criteria provided. Collection method: clinical testing. Allele origin: germline. Not counted in ClinVar's aggregate classification.

Dr. Peter K. Rogan Lab, Western University
No classification provided (evidence only). Condition: Thyroid cancer, nonmedullary, 1. Review status: no classification provided. Collection method: in vitro. Allele origin: not applicable. Functional consequence: retained intron. Not counted in ClinVar's aggregate classification.

Dr. Peter K. Rogan Lab, Western University
No classification provided (evidence only). Condition: Thyroid cancer, nonmedullary, 1. Review status: no classification provided. Collection method: in vitro. Allele origin: not applicable. Functional consequence: retained intron. Not counted in ClinVar's aggregate classification.

Literature cited by the submitters: PubMed 40981304 (cited by Genomenon, Inc); PubMed 29149851 (cited by 3 submitters).